The following is an entry in ClinVar:

NM_000136.3(FANCC):c.1459A>G (p.Ile487Val)

Genes: AOPEP (aminopeptidase O (putative); plus strand), FANCC (FA complementation group C; minus strand). Cytogenetic location: 9q22.32.
Variant type: single nucleotide variant.
Coding change: c.1459A>G on transcript NM_000136.3 (MANE Select); coding-DNA position 1459, A replaced by G.
Protein change: p.Ile487Val; replaces isoleucine 487 with valine.
Molecular consequence: missense variant.
Genome position (GRCh38, 1-based): chr9:95,107,140, T>C on the plus strand (A>G on the coding strand, the complement: FANCC is on the minus strand). VCF-style: chr9-95107140-T-C. GRCh37 (hg19) VCF-style: chr9-97869422-T-C.
Other names: c.1459A>G, p.Ile487Val (NM_001243743.2); short protein forms I487V.
Identifiers: ClinVar variation 4022438 (VCV004022438.1).

ClinVar aggregate classification (germline): Uncertain significance (1 of 4 stars; one submission).

Conditions:
Hereditary cancer-predisposing syndrome. Also called: Tumor predisposition; Hereditary neoplastic syndrome; Neoplastic Syndromes, Hereditary; Hereditary Cancer Syndrome. Identifiers: Orphanet 140162, MedGen C0027672, MeSH D009386, MONDO:0015356.

gnomAD v4.1: 1 of 1,614,048 alleles (0.000062%); highest among the groups gnomAD compares: Admixed American, 0.0017%; no homozygotes.

Submission:

Ambry Genetics
Classification: Uncertain significance for Hereditary cancer-predisposing syndrome. Last evaluated: 2025-06-06. Review status: criteria provided, single submitter. Criteria: Ambry Variant Classification Scheme 2023. Collection method: clinical testing. Allele origin: germline.
Comment: The p.I487V variant (also known as c.1459A>G), located in coding exon 13 of the FANCC gene, results from an A to G substitution at nucleotide position 1459. The isoleucine at codon 487 is replaced by valine, an amino acid with highly similar properties. This amino acid position is conserved. In addition, this alteration is predicted to be tolerated by in silico analysis. Based on the available evidence, the clinical significance of this variant remains unclear.